The following is an entry in ClinVar:

NM_003482.4(KMT2D):c.15227C>A (p.Ala5076Glu)

Gene: KMT2D (lysine methyltransferase 2D; minus strand). Cytogenetic location: 12q13.12.
Variant type: single nucleotide variant.
Coding change: c.15227C>A on transcript NM_003482.4 (MANE Select); coding-DNA position 15227, C replaced by A.
Protein change: p.Ala5076Glu; replaces alanine 5076 with glutamic acid.
Molecular consequence: missense variant.
Genome position (GRCh38, 1-based): chr12:49,026,739, G>T on the plus strand (C>A on the coding strand, the complement: KMT2D is on the minus strand). VCF-style: chr12-49026739-G-T. GRCh37 (hg19) VCF-style: chr12-49420522-G-T.
Other names: short protein forms A5076E.
Identifiers: ClinVar variation 4752701 (VCV004752701.1).

ClinVar aggregate classification (germline): Uncertain significance (1 of 4 stars; one submission).

Conditions:
Kabuki syndrome. Also called: Kabuki make-up syndrome; NIIKAWA-KUROKI SYNDROME. Identifiers: Orphanet 2322, MedGen C0796004, MONDO:0016512.

gnomAD v4.1: 1 of 1,613,832 alleles (0.000062%); highest among the groups gnomAD compares: Non-Finnish European, 0.000085%; no homozygotes.

Submission:

Labcorp Genetics (formerly Invitae), Labcorp
Classification: Uncertain significance for Kabuki syndrome. Last evaluated: 2025-09-29. Review status: criteria provided, single submitter. Criteria: Invitae Variant Classification Sherloc (09022015). Collection method: clinical testing. Allele origin: germline.
Comment: This sequence change replaces alanine, which is neutral and non-polar, with glutamic acid, which is acidic and polar, at codon 5076 of the KMT2D protein (p.Ala5076Glu). This variant is not present in population databases (gnomAD no frequency). This variant has not been reported in the literature in individuals affected with KMT2D-related conditions. Invitae Evidence Modeling of protein sequence and biophysical properties (such as structural, functional, and spatial information, amino acid conservation, physicochemical variation, residue mobility, and thermodynamic stability) has been performed for this missense variant. However, the output from this modeling did not meet the statistical confidence thresholds required to predict the impact of this variant on KMT2D protein function. In summary, the available evidence is currently insufficient to determine the role of this variant in disease. Therefore, it has been classified as a Variant of Uncertain Significance.